The following is an entry in ClinVar:

NM_004629.2(FANCG):c.362T>G (p.Leu121Arg)

Gene: FANCG (FA complementation group G; minus strand). Cytogenetic location: 9p13.3.
Variant type: single nucleotide variant.
Coding change: c.362T>G on transcript NM_004629.2 (MANE Select); coding-DNA position 362, T replaced by G.
Protein change: p.Leu121Arg; replaces leucine 121 with arginine.
Molecular consequence: missense variant.
Genome position (GRCh38, 1-based): chr9:35,078,289, A>C on the plus strand (T>G on the coding strand, the complement: FANCG is on the minus strand). VCF-style: chr9-35078289-A-C. GRCh37 (hg19) VCF-style: chr9-35078286-A-C.
Other names: short protein forms L121R.
Identifiers: ClinVar variation 4022510 (VCV004022510.1).
Genomic context (GRCh38, chr9:35,078,289, plus strand): 5'-CGGTGCAGGGCAGACAGCAGCTCCGGCAGAAGGCAGGAAGCACGAAGGACAGAGTCCCAC[A>C]GCTCCCTGAGCCCCTGTTCCAACCTGGGCCCCTGCTGCTCCTGTGTCTCCAGCACTGTAG-3'
Protein context (NP_004620.1, residues 111-131): GPRLEQGLRE[Leu121Arg]WDSVLRASCL

ClinVar aggregate classification (germline): Uncertain significance (1 of 4 stars; one submission).

Conditions:
Inborn genetic diseases. Identifiers: MedGen C0950123, MeSH D030342.

Submission:

Ambry Genetics
Classification: Uncertain significance for Inborn genetic diseases. Last evaluated: 2025-05-05. Review status: criteria provided, single submitter. Criteria: Ambry Variant Classification Scheme 2023. Collection method: clinical testing. Allele origin: germline.
Comment: The p.L121R variant (also known as c.362T>G), located in coding exon 4 of the FANCG gene, results from a T to G substitution at nucleotide position 362. The leucine at codon 121 is replaced by arginine, an amino acid with dissimilar properties. This amino acid position is conserved. In addition, the in silico prediction for this alteration is inconclusive. Based on the available evidence, the clinical significance of this variant remains unclear.